The following is an entry in ClinVar:

NM_002775.5(HTRA1):c.108G>T (p.Gly36=)

Gene: HTRA1 (HtrA serine peptidase 1; plus strand). Cytogenetic location: 10q26.13.
Variant type: single nucleotide variant.
Coding change: c.108G>T on transcript NM_002775.5 (MANE Select); coding-DNA position 108, G replaced by T.
Protein change: p.Gly36=; no amino-acid change (glycine 36 retained).
Molecular consequence: synonymous variant.
Genome position (GRCh38, 1-based): chr10:122,461,760, G>T. VCF-style: chr10-122461760-G-T. GRCh37 (hg19) VCF-style: chr10-124221276-G-T.
Other names: p.Gly36=.
Identifiers: ClinVar variation 21326 (VCV000021326.18), dbSNP rs2293870, ClinGen allele CA341903.
Genomic context (GRCh38, chr10:122,461,760, plus strand): 5'-GGCGGCGCCCGCCTCGGCGCAGCTGTCCCGGGCCGGCCGCTCGGCGCCTTTGGCCGCCGG[G>T]TGCCCAGACCGCTGCGAGCCGGCGCGCTGCCCGCCGCAGCCGGAGCACTGCGAGGGCGGC-3'
Protein context (NP_002766.1, residues 26-46): RAGRSAPLAA[Gly36=]CPDRCEPARC

ClinVar aggregate classification (germline): Benign/Likely benign. Review status: criteria provided, multiple submitters, no conflicts (2 of 4 stars). 6 submissions from 6 submitters: Benign (4); Likely benign (1). 1 of the submissions does not count toward it. Last evaluated 2026-02-03.

Conditions:
Cerebral arteriopathy, autosomal recessive, with subcortical infarcts and leukoencephalopathy 2. Also called: CEREBROVASCULAR DISEASE WITH THIN SKIN, ALOPECIA, AND DISC DISEASE; SUBCORTICAL VASCULAR ENCEPHALOPATHY, PROGRESSIVE; Cerebral autosomal recessive arteriopathy with subcortical infarcts and leukoencephalopathy; CARASIL syndrome; MAEDA SYNDROME. Identifiers: Orphanet 199354, MedGen C6022615, MONDO:0010829, OMIM 600142.

Allele frequency attached by ClinVar (database versions not stated): 1000 Genomes Project 30x 0.28186; 1000 Genomes Project 0.29133.
gnomAD v4.1: 251,010 of 1,102,096 alleles (23%); highest among the groups gnomAD compares: East Asian, 42%; 29,815 homozygotes.

Submissions (6):

Labcorp Genetics (formerly Invitae), Labcorp
Classification: Benign. Last evaluated: 2026-02-03. Review status: criteria provided, single submitter. Criteria: Invitae Variant Classification Sherloc (09022015). Collection method: clinical testing. Allele origin: germline.

Mayo Clinic Laboratories, Mayo Clinic
Classification: Benign. Last evaluated: 2023-03-02. Review status: criteria provided, single submitter. Criteria: ACMG Guidelines, 2015. Collection method: clinical testing. Allele origin: germline. Observed: 233 variant alleles.
Comment: BA1

GeneDx
Classification: Benign. Last evaluated: 2018-11-12. Review status: criteria provided, single submitter. Criteria: GeneDx Variant Classification Process June 2021. Collection method: clinical testing. Allele origin: germline. Affected: yes.
Comment: This variant is associated with the following publications: (PMID: 26310622, 18164066, 23478260)

Athena Diagnostics
Classification: Benign for Cerebral arteriopathy, autosomal recessive, with subcortical infarcts and leukoencephalopathy 2. Last evaluated: 2017-06-01. Review status: criteria provided, single submitter. Criteria: Athena Diagnostics Criteria. Collection method: clinical testing. Allele origin: germline.

Breakthrough Genomics
Classification: Likely benign. Review status: criteria provided, single submitter. Criteria: ACMG Guidelines, 2015. Collection method: not provided. Allele origin: germline. Inheritance: Autosomal recessive inheritance. Affected: yes.

GeneReviews
No classification provided. Condition: Cerebral arteriopathy, autosomal recessive, with subcortical infarcts and leukoencephalopathy 2. Review status: no classification provided. Collection method: literature only. Allele origin: unknown. Not counted in ClinVar's aggregate classification.

Literature cited by the submitters: PubMed 20437615 (cited by GeneReviews); NCBI Bookshelf NBK32533 (cited by GeneReviews).